The following is an entry in ClinVar:

NM_001370259.2(MEN1):c.-1C>A

Gene: MEN1 (menin 1; minus strand). Cytogenetic location: 11q13.1.
Variant type: single nucleotide variant.
Coding change: c.-1C>A on transcript NM_001370259.2 (MANE Select); 1 bases upstream of the start codon, C replaced by A.
Molecular consequence: 5 prime UTR variant. On other transcripts: non-coding transcript variant (4).
Genome position (GRCh38, 1-based): chr11:64,810,110, G>T on the plus strand (C>A on the coding strand, the complement: MEN1 is on the minus strand). VCF-style: chr11-64810110-G-T. GRCh37 (hg19) VCF-style: chr11-64577582-G-T.
Other names: c.-1C>A (NM_000244.4, NM_001370251.2, NM_001370260.2 and 20 more transcripts).
Identifiers: ClinVar variation 5024269 (VCV005024269.1).

ClinVar aggregate classification (germline): Uncertain significance (1 of 4 stars; one submission).

Conditions:
Hereditary cancer-predisposing syndrome. Also called: Neoplastic Syndromes, Hereditary; Tumor predisposition; Hereditary neoplastic syndrome; Hereditary Cancer Syndrome. Identifiers: Orphanet 140162, MedGen C0027672, MeSH D009386, MONDO:0015356.

gnomAD v4.1: 1 of 1,569,662 alleles (0.000064%); no homozygotes.

Submission:

Ambry Genetics
Classification: Uncertain significance for Hereditary cancer-predisposing syndrome. Last evaluated: 2026-06-18. Review status: criteria provided, single submitter. Criteria: Ambry Variant Classification Scheme 2023. Collection method: clinical testing. Allele origin: germline.
Comment: The c.-1C>A variant is located in the 5' untranslated region (5&rsquo; UTR) of the MEN1 gene. This variant results from a C to A substitution 1 bases upstream from the first translated codon. This nucleotide position is highly conserved in available vertebrate species. Based on the available evidence, the clinical significance of this variant remains unclear.